The following is an entry in ClinVar:

NM_003240.5(LEFTY2):c.556T>G (p.Phe186Val)

Gene: LEFTY2 (left-right determination factor 2; minus strand). Cytogenetic location: 1q42.12.
Variant type: single nucleotide variant.
Coding change: c.556T>G on transcript NM_003240.5 (MANE Select); coding-DNA position 556, T replaced by G.
Protein change: p.Phe186Val; replaces phenylalanine 186 with valine.
Molecular consequence: missense variant.
Genome position (GRCh38, 1-based): chr1:225,939,542, A>C on the plus strand (T>G on the coding strand, the complement: LEFTY2 is on the minus strand). VCF-style: chr1-225939542-A-C. GRCh37 (hg19) VCF-style: chr1-226127242-A-C.
Other names: c.556T>G (NM_003240.3); c.454T>G, p.Phe152Val (NM_001172425.3); short protein forms F186V, F152V.
Identifiers: ClinVar variation 2166197 (VCV002166197.5), dbSNP rs752703165, ClinGen allele CA1420541.
Genomic context (GRCh38, chr1:225,939,542, plus strand): 5'-CCCTCTGCACCGACACCTGTAGCAGCAGCGGCTGCCGGGGCCGGCTCAGCTGCTGCCAGA[A>C]GTTCACGGCCTCGGTCACGTCGAAGGCCTTCCAGCCGCTCTCGTGGACGGACACCAGCCT-3'
Protein context (NP_003231.2, residues 176-196): KAFDVTEAVN[Phe186Val]WQQLSRPRQP

ClinVar aggregate classification (germline): Uncertain significance. Review status: criteria provided, multiple submitters, no conflicts (2 of 4 stars). 2 submissions from 2 submitters: Uncertain significance (2). Last evaluated 2024-07-17.

Conditions:
Left-right axis malformations. Identifiers: MedGen C1866091.

Allele frequency attached by ClinVar (database versions not stated): ExAC 0.00001; TOPMed 0.00002; gnomAD 0.00003.
gnomAD v4.1: 5 of 1,611,736 alleles (0.00031%); highest among the groups gnomAD compares: Admixed American, 0.0067%; no homozygotes.

Submissions (2):

Ambry Genetics
Classification: Uncertain significance. Last evaluated: 2024-07-17. Review status: criteria provided, single submitter. Criteria: Ambry Variant Classification Scheme 2023. Collection method: clinical testing. Allele origin: germline.

Labcorp Genetics (formerly Invitae), Labcorp
Classification: Uncertain significance for Left-right axis malformations. Last evaluated: 2024-02-29. Review status: criteria provided, single submitter. Criteria: Invitae Variant Classification Sherloc (09022015). Collection method: clinical testing. Allele origin: germline.
Comment: This sequence change replaces phenylalanine, which is neutral and non-polar, with valine, which is neutral and non-polar, at codon 186 of the LEFTY2 protein (p.Phe186Val). This variant is present in population databases (rs752703165, gnomAD no frequency). This variant has not been reported in the literature in individuals affected with LEFTY2-related conditions. ClinVar contains an entry for this variant (Variation ID: 2166197). Advanced modeling of protein sequence and biophysical properties (such as structural, functional, and spatial information, amino acid conservation, physicochemical variation, residue mobility, and thermodynamic stability) has been performed at Invitae for this missense variant, however the output from this modeling did not meet the statistical confidence thresholds required to predict the impact of this variant on LEFTY2 protein function. In summary, the available evidence is currently insufficient to determine the role of this variant in disease. Therefore, it has been classified as a Variant of Uncertain Significance.